The following is an entry in ClinVar:

NM_001481.3(DRC4):c.1105C>T (p.Arg369Cys)

Gene: DRC4 (dynein regulatory complex subunit 4; plus strand). Cytogenetic location: 16q24.3.
Variant type: single nucleotide variant.
Coding change: c.1105C>T on transcript NM_001481.3 (MANE Select); coding-DNA position 1105, C replaced by T.
Protein change: p.Arg369Cys; replaces arginine 369 with cysteine.
Molecular consequence: missense variant. On other transcripts: non-coding transcript variant (1).
Genome position (GRCh38, 1-based): chr16:90,040,393, C>T. VCF-style: chr16-90040393-C-T. GRCh37 (hg19) VCF-style: chr16-90106801-C-T.
Other names: c.856C>T, p.Arg286Cys (NM_001286205.2); c.529C>T, p.Arg177Cys (NM_001286208.2); c.1030C>T, p.Arg344Cys (NM_001286209.2); short protein forms R177C, R369C, R344C, R286C.
Identifiers: ClinVar variation 650359 (VCV000650359.10), dbSNP rs773549442, ClinGen allele CA8258107.

ClinVar aggregate classification (germline): Uncertain significance. Review status: criteria provided, multiple submitters, no conflicts (2 of 4 stars). 3 submissions from 3 submitters: Uncertain significance (3). Last evaluated 2024-07-30.

Conditions:
Inborn genetic diseases. Identifiers: MedGen C0950123, MeSH D030342.
Primary ciliary dyskinesia 33. Also called: CILIARY DYSKINESIA, PRIMARY, 33, WITHOUT SITUS INVERSUS. Identifiers: Orphanet 244, MedGen C4225230, MONDO:0014750, OMIM 616726.

Allele frequency attached by ClinVar (database versions not stated): ExAC 0.00005; gnomAD 0.00005 and 0.00006; gnomAD exomes 0.00005 and 0.00006; TOPMed 0.00011.
gnomAD v4.1: 95 of 1,611,692 alleles (0.0059%); highest among the groups gnomAD compares: Admixed American, 0.013%; no homozygotes.

Submissions (3):

GeneDx
Classification: Uncertain significance. Last evaluated: 2024-07-30. Review status: criteria provided, single submitter. Criteria: GeneDx Variant Classification Process June 2021. Collection method: clinical testing. Allele origin: germline. Affected: yes.
Comment: In silico analysis supports that this missense variant has a deleterious effect on protein structure/function; Has not been previously published as pathogenic or benign to our knowledge

Ambry Genetics
Classification: Uncertain significance for Inborn genetic diseases. Last evaluated: 2023-06-22. Review status: criteria provided, single submitter. Criteria: Ambry Variant Classification Scheme 2023. Collection method: clinical testing. Allele origin: germline.

Labcorp Genetics (formerly Invitae), Labcorp
Classification: Uncertain significance for Primary ciliary dyskinesia 33. Last evaluated: 2023-03-13. Review status: criteria provided, single submitter. Criteria: Invitae Variant Classification Sherloc (09022015). Collection method: clinical testing. Allele origin: germline.
Comment: In summary, the available evidence is currently insufficient to determine the role of this variant in disease. Therefore, it has been classified as a Variant of Uncertain Significance. Advanced modeling of protein sequence and biophysical properties (such as structural, functional, and spatial information, amino acid conservation, physicochemical variation, residue mobility, and thermodynamic stability) has been performed at Invitae for this missense variant, however the output from this modeling did not meet the statistical confidence thresholds required to predict the impact of this variant on GAS8 protein function. ClinVar contains an entry for this variant (Variation ID: 650359). This variant has not been reported in the literature in individuals affected with GAS8-related conditions. This variant is present in population databases (rs773549442, gnomAD 0.01%). This sequence change replaces arginine, which is basic and polar, with cysteine, which is neutral and slightly polar, at codon 369 of the GAS8 protein (p.Arg369Cys).